The following is an entry in ClinVar:

ClinVar aggregate classification (germline): Pathogenic (1 of 4 stars; one submission).

Conditions:
Tuberous sclerosis 2 (TSC2). Identifiers: Orphanet 805, MedGen C1860707, MONDO:0013199, OMIM 613254.

Submission:

Labcorp Genetics (formerly Invitae), Labcorp
Classification: Pathogenic for Tuberous sclerosis 2. Last evaluated: 2022-04-03. Review status: criteria provided, single submitter. Criteria: Invitae Variant Classification Sherloc (09022015). Collection method: clinical testing. Allele origin: germline.
Comment: This sequence change creates a premature translational stop signal (p.Ser1152Metfs*39) in the TSC2 gene. It is expected to result in an absent or disrupted protein product. Loss-of-function variants in TSC2 are known to be pathogenic (PMID: 10205261, 17304050). This variant is not present in population databases (gnomAD no frequency). This variant has not been reported in the literature in individuals affected with TSC2-related conditions. For these reasons, this variant has been classified as Pathogenic.

Literature cited by the submitters: PubMed 10205261; PubMed 17304050.

NM_000548.5(TSC2):c.3455del (p.Ser1152fs)

Gene: TSC2 (TSC complex subunit 2; plus strand). Cytogenetic location: 16p13.3.
Variant type: Deletion.
Coding change: c.3455del on transcript NM_000548.5 (MANE Select); coding-DNA position 3455, one base deleted (G; older notation c.3455delG).
Protein change: p.Ser1152fs; shifts the reading frame from serine 1152.
Molecular consequence: frameshift variant.
Genome position (GRCh38, 1-based): chr16:2,080,222, G deleted. VCF-style (leftmost placement, unchanged base first): chr16-2080221-AG-A. GRCh37 (hg19) VCF-style: chr16-2130222-AG-A.
Other names: c.3323del, p.Ser1108fs (NM_001077183.3, NM_001370404.1); c.3455del, p.Ser1152fs (NM_001114382.3); c.3416delG, p.Ser1139Metfs (NM_001406667.1); c.3413delG, p.Ser1138Metfs (NM_001406668.1); c.3344delG, p.Ser1115Metfs (NM_001406670.1); c.3314delG, p.Ser1105Metfs (NM_001406671.1); c.3311delG, p.Ser1104Metfs (NM_001406673.1); c.3308delG, p.Ser1103Metfs (NM_001406675.1); and 20 more; short protein forms S1108fs, S1152fs, S1072fs, S1119fs, S1109fs, S1060fs, S908fs.
Identifiers: ClinVar variation 2120984 (VCV002120984.4), dbSNP rs2544094952, ClinGen allele CA2580090989.